The following is an entry in ClinVar:

NM_005850.5(SF3B4):c.561T>C (p.His187=)

Gene: SF3B4 (splicing factor 3b subunit 4; minus strand). Cytogenetic location: 1q21.2.
Variant type: single nucleotide variant.
Coding change: c.561T>C on transcript NM_005850.5 (MANE Select); coding-DNA position 561, T replaced by C.
Protein change: p.His187=; no amino-acid change (histidine 187 retained).
Molecular consequence: synonymous variant.
Genome position (GRCh38, 1-based): chr1:149,926,521, A>G on the plus strand (T>C on the coding strand, the complement: SF3B4 is on the minus strand). VCF-style: chr1-149926521-A-G. GRCh37 (hg19) VCF-style: chr1-149898413-A-G.
Identifiers: ClinVar variation 717807 (VCV000717807.11), dbSNP rs144518244, ClinGen allele CA1071505.

ClinVar aggregate classification (germline): Benign. Review status: criteria provided, multiple submitters, no conflicts (2 of 4 stars). 3 submissions from 3 submitters: Benign (2). 1 of the submissions does not count toward it. Last evaluated 2025-06-12.

Conditions:
SF3B4-related disorder. Also called: SF3B4-related condition.

Allele frequency attached by ClinVar (database versions not stated): gnomAD exomes 0.00016 and 0.00037; ExAC 0.00039; 1000 Genomes Project 30x 0.00062; 1000 Genomes Project 0.00080; ESP Exome Variant Server 0.00085; gnomAD 0.00146 and 0.00156; TOPMed 0.00158.
gnomAD v4.1: 458 of 1,614,222 alleles (0.028%); highest among the groups gnomAD compares: African/African-American, 0.57%; 2 homozygotes.

Submissions (3):

Labcorp Genetics (formerly Invitae), Labcorp
Classification: Benign. Last evaluated: 2025-06-12. Review status: criteria provided, single submitter. Criteria: Invitae Variant Classification Sherloc (09022015). Collection method: clinical testing. Allele origin: germline.

Breakthrough Genomics
Classification: Benign. Review status: criteria provided, single submitter. Criteria: ACMG Guidelines, 2015. Collection method: not provided. Allele origin: germline. Inheritance: Autosomal dominant inheritance. Affected: yes.

PreventionGenetics, part of Exact Sciences
Classification: Benign for SF3B4-related condition. Last evaluated: 2024-07-30. Review status: no assertion criteria provided. Collection method: clinical testing. Allele origin: germline. Not counted in ClinVar's aggregate classification.
Comment: This variant is classified as benign based on ACMG/AMP sequence variant interpretation guidelines (Richards et al. 2015 PMID: 25741868, with internal and published modifications).